The following is an entry in ClinVar:

ClinVar aggregate classification (germline): Benign. Review status: criteria provided, multiple submitters, no conflicts (2 of 4 stars). 3 submissions from 3 submitters: Benign (3). Last evaluated 2024-01-24.

Allele frequency attached by ClinVar (database versions not stated): ESP Exome Variant Server 0.25963; 1000 Genomes Project 0.28574; 1000 Genomes Project 30x 0.28638; TOPMed 0.29250.
gnomAD v4.1: 437,440 of 1,470,890 alleles (30%); highest among the groups gnomAD compares: Admixed American, 49%; 67,583 homozygotes.

Submissions (3):

Unidad de Genómica Garrahan, Hospital de Pediatría Garrahan
Classification: Benign. Last evaluated: 2024-01-24. Review status: criteria provided, single submitter. Criteria: ACMG Guidelines, 2015. Collection method: clinical testing. Allele origin: germline. Affected: no. Observed: 61 variant alleles.
Comment: This variant is classified as Benign based on local population frequency. This variant was detected in 64% of patients studied by a panel of primary immunodeficiencies. Number of patients: 61. Only high quality variants are reported.

GeneDx
Classification: Benign. Last evaluated: 2018-11-12. Review status: criteria provided, single submitter. Criteria: GeneDx Variant Classification Process June 2021. Collection method: clinical testing. Allele origin: germline. Affected: yes.

Breakthrough Genomics
Classification: Benign. Review status: criteria provided, single submitter. Criteria: ACMG Guidelines, 2015. Collection method: not provided. Allele origin: germline. Inheritance: Autosomal recessive inheritance. Affected: yes.

NM_025099.6(CTC1):c.1207-40T>G

Gene: CTC1 (CST telomere replication complex component 1; minus strand). Cytogenetic location: 17p13.1.
Variant type: single nucleotide variant.
Coding change: c.1207-40T>G on transcript NM_025099.6 (MANE Select); 40 bases into the intron before coding-DNA position 1207, T replaced by G.
Molecular consequence: intron variant.
Genome position (GRCh38, 1-based): chr17:8,235,325, A>C on the plus strand (T>G on the coding strand, the complement: CTC1 is on the minus strand). VCF-style: chr17-8235325-A-C. GRCh37 (hg19) VCF-style: chr17-8138643-A-C.
Identifiers: ClinVar variation 1277800 (VCV001277800.4), dbSNP rs12603646, ClinGen allele CA8372428.